The following is an entry in ClinVar:

ClinVar aggregate classification (germline): Uncertain significance. Review status: criteria provided, multiple submitters, no conflicts (2 of 4 stars). 2 submissions from 2 submitters: Uncertain significance (2). Last evaluated 2023-08-20.

Conditions:
Ataxia-telangiectasia syndrome (AT). Also called: Ataxia telangiectasia (A-T); LOUIS-BAR SYNDROME; Cerebello-oculocutaneous telangiectasia; Immunodeficiency with ataxia telangiectasia; AT, COMPLEMENTATION GROUP C; Ataxia-telangiectasia, complementation group D. Identifiers: Orphanet 100, MedGen C0004135, MONDO:0008840, OMIM 208900.
Hereditary cancer-predisposing syndrome. Also called: Hereditary neoplastic syndrome; Tumor predisposition; Hereditary Cancer Syndrome; Neoplastic Syndromes, Hereditary. Identifiers: Orphanet 140162, MedGen C0027672, MeSH D009386, MONDO:0015356.

Submissions (2):

Ambry Genetics
Classification: Uncertain significance for Hereditary cancer-predisposing syndrome. Last evaluated: 2023-08-20. Review status: criteria provided, single submitter. Criteria: Ambry Variant Classification Scheme 2023. Collection method: clinical testing. Allele origin: germline.
Comment: The p.H183D variant (also known as c.547C>G), located in coding exon 5 of the ATM gene, results from a C to G substitution at nucleotide position 547. The histidine at codon 183 is replaced by aspartic acid, an amino acid with similar properties. This amino acid position is poorly conserved in available vertebrate species. In addition, this alteration is predicted to be tolerated by in silico analysis. Since supporting evidence is limited at this time, the clinical significance of this alteration remains unclear.

Labcorp Genetics (formerly Invitae), Labcorp
Classification: Uncertain significance for Ataxia-telangiectasia syndrome. Last evaluated: 2021-11-29. Review status: criteria provided, single submitter. Criteria: Invitae Variant Classification Sherloc (09022015). Collection method: clinical testing. Allele origin: germline.
Comment: This sequence change replaces histidine, which is basic and polar, with aspartic acid, which is acidic and polar, at codon 183 of the ATM protein (p.His183Asp). This variant is not present in population databases (gnomAD no frequency). This variant has not been reported in the literature in individuals affected with ATM-related conditions. Advanced modeling of protein sequence and biophysical properties (such as structural, functional, and spatial information, amino acid conservation, physicochemical variation, residue mobility, and thermodynamic stability) performed at Invitae indicates that this missense variant is not expected to disrupt ATM protein function. In summary, the available evidence is currently insufficient to determine the role of this variant in disease. Therefore, it has been classified as a Variant of Uncertain Significance.

NM_000051.4(ATM):c.547C>G (p.His183Asp)

Gene: ATM (ATM serine/threonine kinase; plus strand). Cytogenetic location: 11q22.3.
Variant type: single nucleotide variant.
Coding change: c.547C>G on transcript NM_000051.4 (MANE Select); coding-DNA position 547, C replaced by G.
Protein change: p.His183Asp; replaces histidine 183 with aspartic acid.
Molecular consequence: missense variant.
Genome position (GRCh38, 1-based): chr11:108,244,003, C>G. VCF-style: chr11-108244003-C-G. GRCh37 (hg19) VCF-style: chr11-108114730-C-G.
Other names: c.547C>G, p.His183Asp (NM_001351834.2); c.547C>G (NM_000051.3); short protein forms H183D.
Identifiers: ClinVar variation 1427484 (VCV001427484.7), dbSNP rs1409889384, ClinGen allele CA382527682.
Genomic context (GRCh38, chr11:108,244,003, plus strand): 5'-TTTTTTTAAGAATTGTTCTCTGTGTACTTCAGGCTCTATCTGAAACCTTCACAAGATGTT[C>G]ATAGAGTTTTAGTGGCTAGAATAATTCATGCTGTTACCAAAGGATGCTGTTCTCAGACTG-3'
Protein context (NP_000042.3, residues 173-193): RLYLKPSQDV[His183Asp]RVLVARIIHA